The following is an entry in ClinVar:

NM_005472.5(KCNE3):c.125A>G (p.Gln42Arg)

Gene: KCNE3 (potassium voltage-gated channel subfamily E regulatory subunit 3; minus strand). Cytogenetic location: 11q13.4.
Variant type: single nucleotide variant.
Coding change: c.125A>G on transcript NM_005472.5 (MANE Select); coding-DNA position 125, A replaced by G.
Protein change: p.Gln42Arg; replaces glutamine 42 with arginine.
Molecular consequence: missense variant.
Genome position (GRCh38, 1-based): chr11:74,457,439, T>C on the plus strand (A>G on the coding strand, the complement: KCNE3 is on the minus strand). VCF-style: chr11-74457439-T-C. GRCh37 (hg19) VCF-style: chr11-74168484-T-C.
Other names: short protein forms Q42R.
Identifiers: ClinVar variation 3532252 (VCV003532252.1).

ClinVar aggregate classification (germline): Uncertain significance (1 of 4 stars; one submission).

Conditions:
Cardiovascular phenotype. Identifiers: MedGen CN230736.

gnomAD v4.1: 1 of 1,613,878 alleles (0.000062%); highest among the groups gnomAD compares: Non-Finnish European, 0.000085%; no homozygotes.

Submission:

Ambry Genetics
Classification: Uncertain significance for Cardiovascular phenotype. Last evaluated: 2024-07-07. Review status: criteria provided, single submitter. Criteria: Ambry Variant Classification Scheme 2023. Collection method: clinical testing. Allele origin: germline.
Comment: The p.Q42R variant (also known as c.125A>G), located in coding exon 1 of the KCNE3 gene, results from an A to G substitution at nucleotide position 125. The glutamine at codon 42 is replaced by arginine, an amino acid with highly similar properties. This amino acid position is conserved. In addition, this alteration is predicted to be tolerated by in silico analysis. Based on the available evidence, the clinical significance of this variant remains unclear.